The following is an entry in ClinVar:

NM_005751.5(AKAP9):c.11426A>G (p.Lys3809Arg)

Gene: AKAP9 (A-kinase anchoring protein 9; plus strand). Cytogenetic location: 7q21.2.
Variant type: single nucleotide variant.
Coding change: c.11426A>G on transcript NM_005751.5 (MANE Select); coding-DNA position 11426, A replaced by G.
Protein change: p.Lys3809Arg; replaces lysine 3809 with arginine.
Molecular consequence: missense variant.
Genome position (GRCh38, 1-based): chr7:92,107,302, A>G. VCF-style: chr7-92107302-A-G. GRCh37 (hg19) VCF-style: chr7-91736616-A-G.
Other names: c.6071A>G, p.Lys2024Arg (NM_001379277.1); c.11402A>G, p.Lys3801Arg (NM_147185.3); short protein forms K2024R, K3801R, K3809R.
Identifiers: ClinVar variation 970642 (VCV000970642.11), dbSNP rs773726579, ClinGen allele CA4338198.

ClinVar aggregate classification (germline): Conflicting classifications of pathogenicity. Review status: criteria provided, conflicting classifications (1 of 4 stars). 3 submissions from 3 submitters: Uncertain significance (2); Likely benign (1). Last evaluated 2024-12-20.

Conditions:
Cardiovascular phenotype. Identifiers: MedGen CN230736.
Long QT syndrome (LQTS). Identifiers: MedGen C0023976, MeSH D008133, MONDO:0002442. Disease mechanism: loss of function. Inheritance: Various modes of inheritance.

Allele frequency attached by ClinVar (database versions not stated): gnomAD exomes 0.00001; ExAC 0.00002; gnomAD 0.00005 and 0.00006.
gnomAD v4.1: 23 of 1,613,808 alleles (0.0014%); highest among the groups gnomAD compares: Non-Finnish European, 0.0019%; no homozygotes.

Submissions (3):

Ambry Genetics
Classification: Uncertain significance for Cardiovascular phenotype. Last evaluated: 2024-12-20. Review status: criteria provided, single submitter. Criteria: Ambry Variant Classification Scheme 2023. Collection method: clinical testing. Allele origin: germline.
Comment: The p.K3809R variant (also known as c.11426A>G), located in coding exon 48 of the AKAP9 gene, results from an A to G substitution at nucleotide position 11426. The lysine at codon 3809 is replaced by arginine, an amino acid with highly similar properties. This amino acid position is conserved. In addition, this alteration is predicted to be tolerated by in silico analysis. Based on the available evidence, the clinical significance of this variant remains unclear.

Blueprint Genetics
Classification: Likely benign. Last evaluated: 2024-10-02. Review status: criteria provided, single submitter. Criteria: ACMG Guidelines, 2015. Collection method: clinical testing. Allele origin: germline.

Labcorp Genetics (formerly Invitae), Labcorp
Classification: Uncertain significance for Long QT syndrome. Last evaluated: 2024-07-23. Review status: criteria provided, single submitter. Criteria: Invitae Variant Classification Sherloc (09022015). Collection method: clinical testing. Allele origin: germline.
Comment: This sequence change replaces lysine, which is basic and polar, with arginine, which is basic and polar, at codon 3809 of the AKAP9 protein (p.Lys3809Arg). This variant is present in population databases (rs773726579, gnomAD 0.007%). This variant has not been reported in the literature in individuals affected with AKAP9-related conditions. ClinVar contains an entry for this variant (Variation ID: 970642). An algorithm developed to predict the effect of missense changes on protein structure and function outputs the following: PolyPhen-2: "Benign". The arginine amino acid residue is found in multiple mammalian species, which suggests that this missense change does not adversely affect protein function. In summary, the available evidence is currently insufficient to determine the role of this variant in disease. Therefore, it has been classified as a Variant of Uncertain Significance.